The following is an entry in ClinVar:

ClinVar aggregate classification (germline): Uncertain significance. Review status: criteria provided, multiple submitters, no conflicts (2 of 4 stars). 3 submissions from 3 submitters: Uncertain significance (3). Last evaluated 2025-09-01.

Conditions:
Inborn genetic diseases. Identifiers: MedGen C0950123, MeSH D030342.

Allele frequency attached by ClinVar (database versions not stated): TOPMed 0.00004; gnomAD exomes 0.00009.
gnomAD v4.1: 142 of 1,613,838 alleles (0.0088%); highest among the groups gnomAD compares: Non-Finnish European, 0.012%; no homozygotes.

Submissions (3):

Ambry Genetics
Classification: Uncertain significance for Inborn genetic diseases. Last evaluated: 2025-09-01. Review status: criteria provided, single submitter. Criteria: Ambry Variant Classification Scheme 2023. Collection method: clinical testing. Allele origin: germline.

Labcorp Genetics (formerly Invitae), Labcorp
Classification: Uncertain significance. Last evaluated: 2025-05-13. Review status: criteria provided, single submitter. Criteria: Invitae Variant Classification Sherloc (09022015). Collection method: clinical testing. Allele origin: germline.
Comment: This sequence change replaces methionine, which is neutral and non-polar, with valine, which is neutral and non-polar, at codon 427 of the P3H2 protein (p.Met427Val). This variant is present in population databases (rs573407054, gnomAD 0.006%). This variant has not been reported in the literature in individuals affected with P3H2-related conditions. ClinVar contains an entry for this variant (Variation ID: 1218513). Invitae Evidence Modeling of protein sequence and biophysical properties (such as structural, functional, and spatial information, amino acid conservation, physicochemical variation, residue mobility, and thermodynamic stability) indicates that this missense variant is not expected to disrupt P3H2 protein function with a negative predictive value of 80%. In summary, the available evidence is currently insufficient to determine the role of this variant in disease. Therefore, it has been classified as a Variant of Uncertain Significance.

GeneDx
Classification: Uncertain significance. Last evaluated: 2019-10-08. Review status: criteria provided, single submitter. Criteria: GeneDx Variant Classification Process June 2021. Collection method: clinical testing. Allele origin: germline. Affected: yes.
Comment: In silico analysis, which includes protein predictors and evolutionary conservation, supports that this variant does not alter protein structure/function; Has not been previously published as pathogenic or benign to our knowledge

NM_018192.4(P3H2):c.1279A>G (p.Met427Val)

Gene: P3H2 (prolyl 3-hydroxylase 2; minus strand). Cytogenetic location: 3q28.
Variant type: single nucleotide variant.
Coding change: c.1279A>G on transcript NM_018192.4 (MANE Select); coding-DNA position 1279, A replaced by G.
Protein change: p.Met427Val; replaces methionine 427 with valine.
Molecular consequence: missense variant.
Genome position (GRCh38, 1-based): chr3:189,983,091, T>C on the plus strand (A>G on the coding strand, the complement: P3H2 is on the minus strand). VCF-style: chr3-189983091-T-C. GRCh37 (hg19) VCF-style: chr3-189700880-T-C.
Other names: c.736A>G, p.Met246Val (NM_001134418.2); short protein forms M246V, M427V.
Identifiers: ClinVar variation 1218513 (VCV001218513.11), dbSNP rs573407054, ClinGen allele CA2752994.
Genomic context (GRCh38, chr3:189,983,091, plus strand): 5'-TGCACAGCTACTTACCTTCTCTTAGGTCTCGATCTATCTTGGGTGATAGCTTTTTTCCCA[T>C]TGAGAATCCATGAACTTCTGCTCCCTCTACGTTCACTCCTGAAGGGACCCTGCCCATTCA-3'
Protein context (NP_060662.2, residues 417-437): VEGAEVHGFS[Met427Val]GKKLSPKIDR